The following is an entry in ClinVar:

NM_001142386.3(PDK3):c.1227C>G (p.Ile409Met)

Gene: PDK3 (pyruvate dehydrogenase kinase 3; plus strand). Cytogenetic location: Xp22.11.
Variant type: single nucleotide variant.
Coding change: c.1227C>G on transcript NM_001142386.3; coding-DNA position 1227, C replaced by G.
Protein change: p.Ile409Met; replaces isoleucine 409 with methionine.
Molecular consequence: missense variant.
Genome position (GRCh38, 1-based): chrX:24,539,143, C>G. VCF-style: chrX-24539143-C-G. GRCh37 (hg19) VCF-style: chrX-24557260-C-G.
Other names: short protein forms I409M.
Identifiers: ClinVar variation 1326677 (VCV001326677.4), dbSNP rs2148206196, ClinGen allele CA412603967.

ClinVar aggregate classification (germline): Uncertain significance (1 of 4 stars; one submission).

Submission:

GeneDx
Classification: Uncertain significance. Last evaluated: 2021-05-25. Review status: criteria provided, single submitter. Criteria: GeneDx Variant Classification Process June 2021. Collection method: clinical testing. Allele origin: germline. Affected: yes.
Comment: Not observed at significant frequency in large population cohorts (Lek et al., 2016); In silico analysis supports that this missense variant does not alter protein structure/function; Has not been previously published as pathogenic or benign to our knowledge